The following is an entry in ClinVar:

NM_007294.4(BRCA1):c.2249T>C (p.Leu750Pro)

Gene: BRCA1 (BRCA1 DNA repair associated; minus strand). Cytogenetic location: 17q21.31.
Variant type: single nucleotide variant.
Coding change: c.2249T>C on transcript NM_007294.4 (MANE Select); coding-DNA position 2249, T replaced by C.
Protein change: p.Leu750Pro; replaces leucine 750 with proline.
Molecular consequence: missense variant. On other transcripts: intron variant (137).
Genome position (GRCh38, 1-based): chr17:43,093,282, A>G on the plus strand (T>C on the coding strand, the complement: BRCA1 is on the minus strand). VCF-style: chr17-43093282-A-G. GRCh37 (hg19) VCF-style: chr17-41245299-A-G.
Other names: c.1985T>C, p.Leu662Pro (NM_001407924.1, NM_001407925.1, NM_001407926.1 and 9 more transcripts); c.1982T>C, p.Leu661Pro (NM_001407930.1, NM_001407931.1, NM_001407932.1 and 2 more transcripts); c.2126T>C, p.Leu709Pro (NM_001407937.1, NM_001407938.1, NM_001407939.1 and 19 more transcripts); c.2123T>C, p.Leu708Pro (NM_001407940.1, NM_001407941.1, NM_001407649.1 and 11 more transcripts); c.2108T>C, p.Leu703Pro (NM_001407942.1, NM_001407944.1, NM_001407945.1 and 29 more transcripts); c.2105T>C, p.Leu702Pro (NM_001407943.1, NM_001407964.1, NM_001407740.1 and 20 more transcripts); c.1916T>C, p.Leu639Pro (NM_001407946.1, NM_001407947.1, NM_001407948.1 and 6 more transcripts); c.1913T>C, p.Leu638Pro (NM_001407954.1, NM_001407955.1, NM_001407956.1 and 1 more transcripts); and 41 more; short protein forms L750P, L703P, L623P, L639P, L680P, L682P, L683P, L724P.
Identifiers: ClinVar variation 496354 (VCV000496354.9), dbSNP rs1555590048, ClinGen allele CA10597502.

ClinVar aggregate classification (germline): Conflicting classifications of pathogenicity. Review status: criteria provided, conflicting classifications (1 of 4 stars). 5 submissions from 5 submitters: Uncertain significance (4); Likely benign (1). Last evaluated 2025-08-04.

Conditions:
Hereditary cancer-predisposing syndrome. Also called: Tumor predisposition; Neoplastic Syndromes, Hereditary; Hereditary neoplastic syndrome; Hereditary Cancer Syndrome. Identifiers: Orphanet 140162, MedGen C0027672, MeSH D009386, MONDO:0015356.
Hereditary breast ovarian cancer syndrome. Also called: Breast and ovarian cancer; BRCA1- and BRCA2-Associated Hereditary Breast and Ovarian Cancer; Hereditary breast and ovarian cancer syndrome (HBOC); Hereditary breast and ovarian cancer; Hereditary breast and/or ovarian cancer syndrome; Hereditary breast and ovarian cancer syndrome. Identifiers: Orphanet 145, MedGen C0677776, MeSH D061325, MONDO:0003582. Disease mechanism: loss of function.

Allele frequency attached by ClinVar (database versions not stated): gnomAD exomes below 0.00001; TOPMed below 0.00001.
gnomAD v4.1: 1 of 1,614,058 alleles (0.000062%); highest among the groups gnomAD compares: African/African-American, 0.0013%; no homozygotes.

Submissions (5):

Labcorp Genetics (formerly Invitae), Labcorp
Classification: Uncertain significance for Hereditary breast ovarian cancer syndrome. Last evaluated: 2025-08-04. Review status: criteria provided, single submitter. Criteria: Invitae Variant Classification Sherloc (09022015). Collection method: clinical testing. Allele origin: germline.
Comment: This sequence change replaces leucine, which is neutral and non-polar, with proline, which is neutral and non-polar, at codon 750 of the BRCA1 protein (p.Leu750Pro). This variant is not present in population databases (gnomAD no frequency). This missense change has been observed in individual(s) with breast cancer (PMID: 22034289). ClinVar contains an entry for this variant (Variation ID: 496354). Invitae Evidence Modeling of protein sequence and biophysical properties (such as structural, functional, and spatial information, amino acid conservation, physicochemical variation, residue mobility, and thermodynamic stability) indicates that this missense variant is not expected to disrupt BRCA1 protein function with a negative predictive value of 80%. In summary, the available evidence is currently insufficient to determine the role of this variant in disease. Therefore, it has been classified as a Variant of Uncertain Significance.

Ambry Genetics
Classification: Uncertain significance for Hereditary cancer-predisposing syndrome. Last evaluated: 2024-10-15. Review status: criteria provided, single submitter. Criteria: Ambry Variant Classification Scheme 2023. Collection method: clinical testing. Allele origin: germline.
Comment: The p.L750P variant (also known as c.2249T>C), located in coding exon 9 of the BRCA1 gene, results from a T to C substitution at nucleotide position 2249. The leucine at codon 750 is replaced by proline, an amino acid with similar properties. This amino acid position is not well conserved in available vertebrate species. In addition, the in silico prediction for this alteration is inconclusive. Since supporting evidence is limited at this time, the clinical significance of this alteration remains unclear.

GeneDx
Classification: Uncertain significance. Last evaluated: 2023-12-24. Review status: criteria provided, single submitter. Criteria: GeneDx Variant Classification Process June 2021. Collection method: clinical testing. Allele origin: germline. Affected: yes.
Comment: Not observed at significant frequency in large population cohorts (gnomAD); In silico analysis supports that this missense variant has a deleterious effect on protein structure/function; Also known as 2368T>C; This variant is associated with the following publications: (PMID: 22034289, 15343273)

University of Washington Department of Laboratory Medicine, University of Washington
Classification: Likely benign for Hereditary cancer-predisposing syndrome. Last evaluated: 2023-03-23. Review status: criteria provided, single submitter. Criteria: Dines et al. (Genet Med. 2020). Collection method: curation. Allele origin: germline.
Comment: Missense variant in a coldspot region where missense variants are very unlikely to be pathogenic (PMID:31911673).

BRCA1 coldspot (exon 11 using historical exon numbering). Reclassification based on statistical prior probability

Women's Health and Genetics/Laboratory Corporation of America, LabCorp
Classification: Uncertain significance. Last evaluated: 2017-07-03. Review status: criteria provided, single submitter. Criteria: LabCorp Variant Classification Summary - May 2015. Collection method: clinical testing. Allele origin: germline.
Comment: Variant summary: The BRCA1 c.2249T>C (p.Leu750Pro) variant involves the alteration of a non-conserved nucleotide, resulting in a missense change that does not lie within a known functional domain (InterPro). 3/5 in silico tools predict a benign outcome for this variant. This variant is absent from the large control database ExAC (0/121380 control chromosomes). Taken together, this variant is classified as VUS until additional information becomes available.

Literature cited by the submitters: PubMed 22034289 (cited by 3 submitters).